The following is an entry in ClinVar:

NM_002470.4(MYH3):c.3139G>A (p.Val1047Ile)

Gene: MYH3 (myosin heavy chain 3; minus strand). Cytogenetic location: 17p13.1.
Variant type: single nucleotide variant.
Coding change: c.3139G>A on transcript NM_002470.4 (MANE Select); coding-DNA position 3139, G replaced by A.
Protein change: p.Val1047Ile; replaces valine 1047 with isoleucine.
Molecular consequence: missense variant.
Genome position (GRCh38, 1-based): chr17:10,639,153, C>T on the plus strand (G>A on the coding strand, the complement: MYH3 is on the minus strand). VCF-style: chr17-10639153-C-T. GRCh37 (hg19) VCF-style: chr17-10542470-C-T.
Other names: short protein forms V1047I.
Identifiers: ClinVar variation 321742 (VCV000321742.12), dbSNP rs542491960, ClinGen allele CA8392598.

ClinVar aggregate classification (germline): Conflicting classifications of pathogenicity. Review status: criteria provided, conflicting classifications (1 of 4 stars). 4 submissions from 3 submitters: Uncertain significance (2); Benign (2). Last evaluated 2025-10-24.

Conditions:
Inborn genetic diseases. Identifiers: MedGen C0950123, MeSH D030342.
Freeman-Sheldon syndrome (DA2A). Also called: CRANIOCARPOTARSAL DYSPLASIA; CRANIOCARPOTARSAL DYSTROPHY; WHISTLING FACE-WINDMILL VANE HAND SYNDROME; Arthrogryposis, distal, type 2A (Freeman-Sheldon). Identifiers: Orphanet 2053, MedGen C0265224, MONDO:0008675, OMIM 193700.
Distal arthrogryposis type 2B1 (DA2B1). Also called: Arthrogryposis multiplex congenita distal type II with craniofacial abnormalities. Identifiers: Orphanet 1147, MedGen C5193014, MONDO:0020820, OMIM 601680.

Allele frequency attached by ClinVar (database versions not stated): gnomAD 0.00003; gnomAD exomes 0.00005 and 0.00016; ExAC 0.00008; TOPMed 0.00014; 1000 Genomes Project 30x 0.00016; 1000 Genomes Project 0.00020.
gnomAD v4.1: 90 of 1,614,140 alleles (0.0056%); highest among the groups gnomAD compares: Admixed American, 0.087%; no homozygotes.

Submissions (4):

Labcorp Genetics (formerly Invitae), Labcorp
Classification: Benign. Last evaluated: 2025-10-24. Review status: criteria provided, single submitter. Criteria: Invitae Variant Classification Sherloc (09022015). Collection method: clinical testing. Allele origin: germline.

Ambry Genetics
Classification: Uncertain significance for Inborn genetic diseases. Last evaluated: 2025-01-20. Review status: criteria provided, single submitter. Criteria: Ambry Variant Classification Scheme 2023. Collection method: clinical testing. Allele origin: germline.

Illumina Laboratory Services, Illumina
Classification: Benign for Freeman-Sheldon syndrome. Last evaluated: 2018-01-12. Review status: criteria provided, single submitter. Criteria: ICSL Variant Classification Criteria 13 December 2019. Collection method: clinical testing. Allele origin: germline.
Comment: This variant was observed in the ICSL laboratory as part of a predisposition screen in an ostensibly healthy population. It had not been previously curated by ICSL or reported in the Human Gene Mutation Database (HGMD: prior to June 1st, 2018), and was therefore a candidate for classification through an automated scoring system. Utilizing variant allele frequency, disease prevalence and penetrance estimates, and inheritance mode, an automated score was calculated to assess if this variant is too frequent to cause the disease. Based on the score and internal cut-off values, a variant classified as benign is not then subjected to further curation. The score for this variant resulted in a classification of benign for this disease.

Illumina Laboratory Services, Illumina
Classification: Uncertain significance for Distal arthrogryposis type 2B1. Last evaluated: 2018-01-12. Review status: criteria provided, single submitter. Criteria: ICSL Variant Classification Criteria 13 December 2019. Collection method: clinical testing. Allele origin: germline.